The following is an entry in ClinVar:

ClinVar aggregate classification (germline): Uncertain significance (1 of 4 stars; one submission).

Conditions:
Pierpont syndrome (PRPTS). Identifiers: Orphanet 487825, MedGen C1865644, MONDO:0011213, OMIM 602342.

Allele frequency attached by ClinVar (database versions not stated): gnomAD exomes below 0.00001; ExAC 0.00001; gnomAD 0.00001; TOPMed 0.00001.
gnomAD v4.1: 8 of 1,613,236 alleles (0.0005%); highest among the groups gnomAD compares: East Asian, 0.0045%; no homozygotes.

Submission:

Labcorp Genetics (formerly Invitae), Labcorp
Classification: Uncertain significance for Pierpont syndrome. Last evaluated: 2025-05-19. Review status: criteria provided, single submitter. Criteria: Invitae Variant Classification Sherloc (09022015). Collection method: clinical testing. Allele origin: germline.
Comment: This sequence change replaces alanine, which is neutral and non-polar, with valine, which is neutral and non-polar, at codon 114 of the TBL1XR1 protein (p.Ala114Val). This variant is present in population databases (rs747826896, gnomAD 0.005%). This variant has not been reported in the literature in individuals affected with TBL1XR1-related conditions. ClinVar contains an entry for this variant (Variation ID: 582829). Invitae Evidence Modeling of protein sequence and biophysical properties (such as structural, functional, and spatial information, amino acid conservation, physicochemical variation, residue mobility, and thermodynamic stability) indicates that this missense variant is not expected to disrupt TBL1XR1 protein function with a negative predictive value of 95%. In summary, the available evidence is currently insufficient to determine the role of this variant in disease. Therefore, it has been classified as a Variant of Uncertain Significance.

NM_024665.7(TBL1XR1):c.341C>T (p.Ala114Val)

Gene: TBL1XR1 (TBL1X/Y related 1; minus strand). Cytogenetic location: 3q26.32.
Variant type: single nucleotide variant.
Coding change: c.341C>T on transcript NM_024665.7 (MANE Select); coding-DNA position 341, C replaced by T.
Protein change: p.Ala114Val; replaces alanine 114 with valine.
Molecular consequence: missense variant.
Genome position (GRCh38, 1-based): chr3:177,051,590, G>A on the plus strand (C>T on the coding strand, the complement: TBL1XR1 is on the minus strand). VCF-style: chr3-177051590-G-A. GRCh37 (hg19) VCF-style: chr3-176769378-G-A.
Other names: c.341C>T, p.Ala114Val (NM_001321193.3, NM_001321194.3, NM_001374327.1 and 2 more transcripts); c.80C>T, p.Ala27Val (NM_001321195.3, NM_001374330.1); short protein forms A114V, A27V.
Identifiers: ClinVar variation 582829 (VCV000582829.8), dbSNP rs747826896, ClinGen allele CA2710005.